The following is an entry in ClinVar:

NM_001378452.1(ITPR1):c.7701G>A (p.Glu2567=)

Genes: ITPR1 (inositol 1,4,5-trisphosphate receptor type 1; plus strand), LOC126806590 (MED14-independent group 3 enhancer GRCh37_chr3:4855759-4856958; plus strand). Cytogenetic location: 3p26.1.
Variant type: single nucleotide variant.
Coding change: c.7701G>A on transcript NM_001378452.1 (MANE Select); coding-DNA position 7701, G replaced by A.
Protein change: p.Glu2567=; no amino-acid change (glutamic acid 2567 retained).
Molecular consequence: synonymous variant.
Genome position (GRCh38, 1-based): chr3:4,814,562, G>A. VCF-style: chr3-4814562-G-A. GRCh37 (hg19) VCF-style: chr3-4856246-G-A.
Other names: c.7557G>A, p.Glu2519= (NM_001099952.4); c.7656G>A, p.Glu2552= (NM_001168272.2); c.7512G>A, p.Glu2504= (NM_002222.7).
Identifiers: ClinVar variation 3679848 (VCV003679848.2).
Genomic context (GRCh38, chr3:4,814,562, plus strand): 5'-GAGTCACGGGCTGCGGAGCGGGGGTGGAGTAGGAGATGTACTCAGGAAGCCGTCCAAAGA[G>A]GTAAATTAATCCCGAGGGGAAGGAAGGGCAAAGGGGGCGGGTGGGGTGGTTGGTGGGAGC-3'
Protein context (NP_001365381.1, residues 2557-2577): VGDVLRKPSK[Glu2567=]EPLFAARVIY

ClinVar aggregate classification (germline): Uncertain significance (1 of 4 stars; one submission).

Submission:

Labcorp Genetics (formerly Invitae), Labcorp
Classification: Uncertain significance. Last evaluated: 2024-09-05. Review status: criteria provided, single submitter. Criteria: Invitae Variant Classification Sherloc (09022015). Collection method: clinical testing. Allele origin: germline.
Comment: This sequence change affects codon 2504 of the ITPR1 mRNA. It is a 'silent' change, meaning that it does not change the encoded amino acid sequence of the ITPR1 protein. This variant also falls at the last nucleotide of exon 54, which is part of the consensus splice site for this exon. This variant is not present in population databases (gnomAD no frequency). This variant has not been reported in the literature in individuals affected with ITPR1-related conditions. Variants that disrupt the consensus splice site are a relatively common cause of aberrant splicing (PMID: 17576681, 9536098). Algorithms developed to predict the effect of sequence changes on RNA splicing suggest that this variant may disrupt the consensus splice site. In summary, the available evidence is currently insufficient to determine the role of this variant in disease. Therefore, it has been classified as a Variant of Uncertain Significance.

Literature cited by the submitters: PubMed 17576681; PubMed 9536098.